The following is an entry in ClinVar:

NM_206933.4(USH2A):c.9621T>C (p.Cys3207=)

Gene: USH2A (usherin; minus strand). Cytogenetic location: 1q41.
Variant type: single nucleotide variant.
Coding change: c.9621T>C on transcript NM_206933.4 (MANE Select); coding-DNA position 9621, T replaced by C.
Protein change: p.Cys3207=; no amino-acid change (cysteine 3207 retained).
Molecular consequence: synonymous variant.
Genome position (GRCh38, 1-based): chr1:215,813,854, A>G on the plus strand (T>C on the coding strand, the complement: USH2A is on the minus strand). VCF-style: chr1-215813854-A-G. GRCh37 (hg19) VCF-style: chr1-215987196-A-G.
Identifiers: ClinVar variation 180029 (VCV000180029.9), dbSNP rs727505296, ClinGen allele CA185673.

ClinVar aggregate classification (germline): Likely benign. Review status: criteria provided, multiple submitters, no conflicts (2 of 4 stars). 3 submissions from 3 submitters: Likely benign (3). Last evaluated 2026-04-21.

Conditions:
USH2A-related disorder. Also called: USH2A-related condition; USH2A-related disorders. Identifiers: MedGen CN239332.

Allele frequency attached by ClinVar (database versions not stated): gnomAD exomes below 0.00001.
gnomAD v4.1: 2 of 1,613,956 alleles (0.00012%); highest among the groups gnomAD compares: Admixed American, 0.0017%; no homozygotes.

Submissions (3):

PreventionGenetics, part of Exact Sciences
Classification: Likely benign for USH2A-related condition. Last evaluated: 2026-04-21. Review status: criteria provided, single submitter. Criteria: ACMG Guidelines, 2015. Collection method: clinical testing. Allele origin: germline.
Comment: This variant is classified as likely benign based on ACMG/AMP sequence variant interpretation guidelines (Richards et al. 2015 PMID: 25741868, with internal and published modifications).

Labcorp Genetics (formerly Invitae), Labcorp
Classification: Likely benign. Last evaluated: 2023-05-22. Review status: criteria provided, single submitter. Criteria: Invitae Variant Classification Sherloc (09022015). Collection method: clinical testing. Allele origin: germline.

Laboratory for Molecular Medicine, Mass General Brigham Personalized Medicine
Classification: Likely benign. Last evaluated: 2014-09-16. Review status: criteria provided, single submitter. Criteria: LMM Criteria. Collection method: clinical testing. Allele origin: germline. Observed: 1 variant allele.
Comment: Cys3207Cys in exon 49 of USH2A: This variant is not expected to have clinical si gnificance because it does not alter an amino acid residue and is not located wi thin the splice consensus sequence.